The following is an entry in ClinVar:

NM_000395.3(CSF2RB):c.2515C>T (p.Pro839Ser)

Gene: CSF2RB (colony stimulating factor 2 receptor subunit beta; plus strand). Cytogenetic location: 22q12.3.
Variant type: single nucleotide variant.
Coding change: c.2515C>T on transcript NM_000395.3 (MANE Select); coding-DNA position 2515, C replaced by T.
Protein change: p.Pro839Ser; replaces proline 839 with serine.
Molecular consequence: missense variant.
Genome position (GRCh38, 1-based): chr22:36,938,323, C>T. VCF-style: chr22-36938323-C-T. GRCh37 (hg19) VCF-style: chr22-37334365-C-T.
Other names: c.2533C>T, p.Pro845Ser (NM_001410827.1); c.2515C>T (NM_000395.2); short protein forms P839S, P845S.
Identifiers: ClinVar variation 3017256 (VCV003017256.4), dbSNP rs1008678561, ClinGen allele CA411411649.
Genomic context (GRCh38, chr22:36,938,323, plus strand): 5'-GTGGGCGACTATTGCTTCCTCCCCGGCCTGGGGCCCGGCCCTCTCTCGCTCCGGAGTAAA[C>T]CTTCTTCCCCGGGACCCGGTCCTGAGATCAAGAACCTAGACCAGGCTTTTCAAGTCAAGA-3'
Protein context (NP_000386.1, residues 829-849): GPGPLSLRSK[Pro839Ser]SSPGPGPEIK

ClinVar aggregate classification (germline): Uncertain significance. Review status: criteria provided, multiple submitters, no conflicts (2 of 4 stars). 2 submissions from 2 submitters: Uncertain significance (2). Last evaluated 2025-10-18.

Conditions:
Inborn genetic diseases. Identifiers: MedGen C0950123, MeSH D030342.

gnomAD v4.1: 8 of 1,614,078 alleles (0.0005%); highest among the groups gnomAD compares: East Asian, 0.0045%; no homozygotes.

Submissions (2):

Ambry Genetics
Classification: Uncertain significance for Inborn genetic diseases. Last evaluated: 2025-10-18. Review status: criteria provided, single submitter. Criteria: Ambry Variant Classification Scheme 2023. Collection method: clinical testing. Allele origin: germline.

Labcorp Genetics (formerly Invitae), Labcorp
Classification: Uncertain significance. Last evaluated: 2025-06-30. Review status: criteria provided, single submitter. Criteria: Invitae Variant Classification Sherloc (09022015). Collection method: clinical testing. Allele origin: germline.
Comment: This sequence change replaces proline, which is neutral and non-polar, with serine, which is neutral and polar, at codon 839 of the CSF2RB protein (p.Pro839Ser). This variant is present in population databases (no rsID available, gnomAD 0.005%). This variant has not been reported in the literature in individuals affected with CSF2RB-related conditions. ClinVar contains an entry for this variant (Variation ID: 3017256). Invitae Evidence Modeling of protein sequence and biophysical properties (such as structural, functional, and spatial information, amino acid conservation, physicochemical variation, residue mobility, and thermodynamic stability) indicates that this missense variant is not expected to disrupt CSF2RB protein function with a negative predictive value of 80%. In summary, the available evidence is currently insufficient to determine the role of this variant in disease. Therefore, it has been classified as a Variant of Uncertain Significance.